The following is an entry in ClinVar:

NM_015915.5(ATL1):c.35-14G>A

Gene: ATL1 (atlastin GTPase 1; plus strand). Cytogenetic location: 14q22.1.
Variant type: single nucleotide variant.
Coding change: c.35-14G>A on transcript NM_015915.5 (MANE Select); 14 bases into the intron before coding-DNA position 35, G replaced by A.
Molecular consequence: intron variant.
Genome position (GRCh38, 1-based): chr14:50,587,817, G>A. VCF-style: chr14-50587817-G-A. GRCh37 (hg19) VCF-style: chr14-51054535-G-A.
Other names: c.35-14G>A (NM_001127713.1, NM_181598.4).
Identifiers: ClinVar variation 516491 (VCV000516491.13), dbSNP rs115722924, ClinGen allele CA7180161.

ClinVar aggregate classification (germline): Benign. Review status: criteria provided, multiple submitters, no conflicts (2 of 4 stars). 6 submissions from 5 submitters: Benign (6). Last evaluated 2026-01-06.

Conditions:
Neuropathy, hereditary sensory, type 1D. Identifiers: Orphanet 36386, MedGen C3150972, MONDO:0013381, OMIM 613708.
Hereditary spastic paraplegia 3A (SPG3A). Also called: Spastic paraplegia 3A, autosomal dominant; SPASTIC PARAPLEGIA 3, AUTOSOMAL DOMINANT; FAMILIAL SPASTIC PARAPLEGIA, AUTOSOMAL DOMINANT, 1; SPG3; STRUMPELL DISEASE; Spastic Paraplegia 3A. Identifiers: Orphanet 100984, MedGen C2931355, MONDO:0008437, OMIM 182600.

Allele frequency attached by ClinVar (database versions not stated): gnomAD exomes 0.00074 and 0.00219; ExAC 0.00278; gnomAD 0.00837 and 0.00906; 1000 Genomes Project 0.00899; TOPMed 0.00947; 1000 Genomes Project 30x 0.00968; ESP Exome Variant Server 0.00969.
gnomAD v4.1: 2,423 of 1,614,164 alleles (0.15%); highest among the groups gnomAD compares: African/African-American, 2.8%; 26 homozygotes.

Submissions (6):

Labcorp Genetics (formerly Invitae), Labcorp
Classification: Benign for Hereditary spastic paraplegia 3A. Last evaluated: 2026-01-06. Review status: criteria provided, single submitter. Criteria: Invitae Variant Classification Sherloc (09022015). Collection method: clinical testing. Allele origin: germline.

ARUP Laboratories, Molecular Genetics and Genomics, ARUP Laboratories
Classification: Benign. Last evaluated: 2024-10-15. Review status: criteria provided, single submitter. Criteria: ARUP Molecular Germline Variant Investigation Process 2024. Collection method: clinical testing. Allele origin: germline.

Genome-Nilou Lab
Classification: Benign for Neuropathy, hereditary sensory, type 1D. Last evaluated: 2021-12-05. Review status: criteria provided, single submitter. Criteria: ACMG Guidelines, 2015. Collection method: clinical testing. Allele origin: germline. Affected: no.

Genome-Nilou Lab
Classification: Benign for Hereditary spastic paraplegia 3A. Last evaluated: 2021-12-05. Review status: criteria provided, single submitter. Criteria: ACMG Guidelines, 2015. Collection method: clinical testing. Allele origin: germline. Affected: no.

GeneDx
Classification: Benign. Last evaluated: 2017-08-07. Review status: criteria provided, single submitter. Criteria: GeneDx Variant Classification (06012015). Collection method: clinical testing. Allele origin: germline. Affected: yes.
Comment: This variant is considered likely benign or benign based on one or more of the following criteria: it is a conservative change, it occurs at a poorly conserved position in the protein, it is predicted to be benign by multiple in silico algorithms, and/or has population frequency not consistent with disease.

Breakthrough Genomics
Classification: Benign. Review status: criteria provided, single submitter. Criteria: ACMG Guidelines, 2015. Collection method: not provided. Allele origin: germline. Inheritance: Autosomal dominant inheritance. Affected: yes.